The following is an entry in ClinVar:

ClinVar aggregate classification (germline): Likely benign (1 of 4 stars; one submission).

gnomAD v4.1: 80 of 1,610,398 alleles (0.005%); highest among the groups gnomAD compares: Admixed American, 0.03%; no homozygotes.

Submission:

CeGaT Center for Human Genetics Tuebingen
Classification: Likely benign. Last evaluated: 2026-04-01. Review status: criteria provided, single submitter. Criteria: CeGaT Center For Human Genetics Tuebingen Variant Classification Criteria Version 2. Collection method: clinical testing. Allele origin: germline. Affected: yes. Observed: 1 variant allele.
Comment: SLC25A24: BP4, BP7

NM_013386.5(SLC25A24):c.1173C>T (p.Cys391=)

Gene: SLC25A24 (solute carrier family 25 member 24; minus strand). Cytogenetic location: 1p13.3.
Variant type: single nucleotide variant.
Coding change: c.1173C>T on transcript NM_013386.5 (MANE Select); coding-DNA position 1173, C replaced by T.
Protein change: p.Cys391=; no amino-acid change (cysteine 391 retained).
Molecular consequence: synonymous variant.
Genome position (GRCh38, 1-based): chr1:108,139,134, G>A on the plus strand (C>T on the coding strand, the complement: SLC25A24 is on the minus strand). VCF-style: chr1-108139134-G-A. GRCh37 (hg19) VCF-style: chr1-108681756-G-A.
Other names: c.1116C>T, p.Cys372= (NM_213651.3).
Identifiers: ClinVar variation 4872961 (VCV004872961.2).
Genomic context (GRCh38, chr1:108,139,134, plus strand): 5'-AGTTCTCACCAAAGCCAATGGGTAGCTGGCCAGCTGACCACAGGTGCTGGATAAGGCACC[G>A]CATCCCAGCAACACCATGACTCCAGGGTTTACAGAATCTTTTGCAAAATTATCCAGCCAA-3'
Protein context (NP_037518.3, residues 381-401): VNPGVMVLLG[Cys391=]GALSSTCGQL